The following is an entry in ClinVar:

ClinVar aggregate classification (germline): Uncertain significance (1 of 4 stars; one submission).

Conditions:
Nephronophthisis. Also called: Juvenile Nephronophthisis. Identifiers: Orphanet 655, MedGen C0687120, MONDO:0019005, HP:0000090.
Jeune thoracic dystrophy. Also called: Short-rib thoracic dysplasia; Jeune syndrome; Infantile thoracic dystrophy; Thoracic pelvic phalangeal dystrophy; Jeune's syndrome; Chondroectodermal dysplasia-like syndrome. Identifiers: Orphanet 474, MedGen C0265275, MONDO:0018770.

Allele frequency attached by ClinVar (database versions not stated): gnomAD exomes below 0.00001; TOPMed below 0.00001; gnomAD 0.00001.
gnomAD v4.1: 4 of 1,613,516 alleles (0.00025%); highest among the groups gnomAD compares: Non-Finnish European, 0.00034%; no homozygotes.

Submission:

Labcorp Genetics (formerly Invitae), Labcorp
Classification: Uncertain significance for Jeune thoracic dystrophy; Nephronophthisis. Last evaluated: 2023-10-03. Review status: criteria provided, single submitter. Criteria: Invitae Variant Classification Sherloc (09022015). Collection method: clinical testing. Allele origin: germline.
Comment: This sequence change replaces phenylalanine, which is neutral and non-polar, with leucine, which is neutral and non-polar, at codon 39 of the TTC21B protein (p.Phe39Leu). This variant is not present in population databases (gnomAD no frequency). This variant has not been reported in the literature in individuals affected with TTC21B-related conditions. ClinVar contains an entry for this variant (Variation ID: 1348492). Advanced modeling of protein sequence and biophysical properties (such as structural, functional, and spatial information, amino acid conservation, physicochemical variation, residue mobility, and thermodynamic stability) performed at Invitae indicates that this missense variant is not expected to disrupt TTC21B protein function. In summary, the available evidence is currently insufficient to determine the role of this variant in disease. Therefore, it has been classified as a Variant of Uncertain Significance.

NM_024753.5(TTC21B):c.117C>G (p.Phe39Leu)

Gene: TTC21B (tetratricopeptide repeat domain 21B; minus strand). Cytogenetic location: 2q24.3.
Variant type: single nucleotide variant.
Coding change: c.117C>G on transcript NM_024753.5 (MANE Select); coding-DNA position 117, C replaced by G.
Protein change: p.Phe39Leu; replaces phenylalanine 39 with leucine.
Molecular consequence: missense variant.
Genome position (GRCh38, 1-based): chr2:165,949,629, G>C on the plus strand (C>G on the coding strand, the complement: TTC21B is on the minus strand). VCF-style: chr2-165949629-G-C. GRCh37 (hg19) VCF-style: chr2-166806139-G-C.
Other names: short protein forms F39L.
Identifiers: ClinVar variation 1348492 (VCV001348492.8), dbSNP rs1559078793, ClinGen allele CA349056267.